The following is an entry in ClinVar:

NM_001146.5(ANGPT1):c.220G>T (p.Val74Leu)

Gene: ANGPT1 (angiopoietin 1; minus strand). Cytogenetic location: 8q23.1.
Variant type: single nucleotide variant.
Coding change: c.220G>T on transcript NM_001146.5 (MANE Select); coding-DNA position 220, G replaced by T.
Protein change: p.Val74Leu; replaces valine 74 with leucine.
Molecular consequence: missense variant.
Genome position (GRCh38, 1-based): chr8:107,497,339, C>A on the plus strand (G>T on the coding strand, the complement: ANGPT1 is on the minus strand). VCF-style: chr8-107497339-C-A. GRCh37 (hg19) VCF-style: chr8-108509567-C-A.
Other names: c.220G>T, p.Val74Leu (NM_001199859.3); short protein forms V74L.
Identifiers: ClinVar variation 4716431 (VCV004716431.1).

ClinVar aggregate classification (germline): Uncertain significance (1 of 4 stars; one submission).

Submission:

Labcorp Genetics (formerly Invitae), Labcorp
Classification: Uncertain significance. Last evaluated: 2025-03-31. Review status: criteria provided, single submitter. Criteria: Invitae Variant Classification Sherloc (09022015). Collection method: clinical testing. Allele origin: germline.
Comment: This sequence change replaces valine, which is neutral and non-polar, with leucine, which is neutral and non-polar, at codon 74 of the ANGPT1 protein (p.Val74Leu). This variant is present in population databases (rs761722439, gnomAD 0.0009%). This variant has not been reported in the literature in individuals affected with ANGPT1-related conditions. An algorithm developed to predict the effect of missense changes on protein structure and function (PolyPhen-2) suggests that this variant is likely to be tolerated. In summary, the available evidence is currently insufficient to determine the role of this variant in disease. Therefore, it has been classified as a Variant of Uncertain Significance.